The following is an entry in ClinVar:

ClinVar aggregate classification (germline): Conflicting classifications of pathogenicity. Review status: criteria provided, conflicting classifications (1 of 4 stars). 4 submissions from 4 submitters: Uncertain significance (3); Likely benign (1). Last evaluated 2025-12-16.

Conditions:
Cardiovascular phenotype. Identifiers: MedGen CN230736.
Brugada syndrome 6 (BRGDA6). Identifiers: Orphanet 130, MedGen C2751089, MONDO:0013145, OMIM 613119.

Allele frequency attached by ClinVar (database versions not stated): gnomAD exomes 0.00004 and 0.00001; 1000 Genomes Project 0.00060; gnomAD 0.00002 and 0.00005; TOPMed 0.00004; ExAC 0.00007; 1000 Genomes Project 30x 0.00062.
gnomAD v4.1: 32 of 1,614,134 alleles (0.002%); highest among the groups gnomAD compares: East Asian, 0.022%; 1 homozygote.

Submissions (4):

Labcorp Genetics (formerly Invitae), Labcorp
Classification: Uncertain significance for Brugada syndrome 6. Last evaluated: 2025-12-16. Review status: criteria provided, single submitter. Criteria: Invitae Variant Classification Sherloc (09022015). Collection method: clinical testing. Allele origin: germline.
Comment: This sequence change replaces threonine, which is neutral and polar, with methionine, which is neutral and non-polar, at codon 7 of the KCNE3 protein (p.Thr7Met). This variant is present in population databases (rs547194943, gnomAD 0.04%). This variant has not been reported in the literature in individuals affected with KCNE3-related conditions. ClinVar contains an entry for this variant (Variation ID: 190800). An algorithm developed to predict the effect of missense changes on protein structure and function (PolyPhen-2) suggests that this variant is likely to be disruptive. In summary, the available evidence is currently insufficient to determine the role of this variant in disease. Therefore, it has been classified as a Variant of Uncertain Significance.

GeneDx
Classification: Uncertain significance. Last evaluated: 2023-07-28. Review status: criteria provided, single submitter. Criteria: GeneDx Variant Classification Process June 2021. Collection method: clinical testing. Allele origin: germline. Affected: yes.
Comment: Has not been previously published as pathogenic or benign to our knowledge; In silico analysis supports that this missense variant has a deleterious effect on protein structure/function; Variants in candidate genes are classified as variants of uncertain significance in accordance with ACMG guidelines (Richards et al., 2015)

Ambry Genetics
Classification: Likely benign for Cardiovascular phenotype. Last evaluated: 2022-12-06. Review status: criteria provided, single submitter. Criteria: Ambry Variant Classification Scheme 2023. Collection method: clinical testing. Allele origin: germline.

Stanford Center for Inherited Cardiovascular Disease, Stanford University
Classification: Uncertain significance. Last evaluated: 2014-12-02. Review status: criteria provided, single submitter. Criteria: ACMG Guidelines, 2015. Collection method: provider interpretation. Allele origin: germline.

NM_005472.5(KCNE3):c.20C>T (p.Thr7Met)

Gene: KCNE3 (potassium voltage-gated channel subfamily E regulatory subunit 3; minus strand). Cytogenetic location: 11q13.4.
Variant type: single nucleotide variant.
Coding change: c.20C>T on transcript NM_005472.5 (MANE Select); coding-DNA position 20, C replaced by T.
Protein change: p.Thr7Met; replaces threonine 7 with methionine.
Molecular consequence: missense variant.
Genome position (GRCh38, 1-based): chr11:74,457,544, G>A on the plus strand (C>T on the coding strand, the complement: KCNE3 is on the minus strand). VCF-style: chr11-74457544-G-A. GRCh37 (hg19) VCF-style: chr11-74168589-G-A.
Other names: p.T7M:ACG>ATG; short protein forms T7M.
Identifiers: ClinVar variation 190800 (VCV000190800.17), dbSNP rs547194943, ClinGen allele CA301996.